The following is an entry in ClinVar:

ClinVar aggregate classification (germline): Likely pathogenic (1 of 4 stars; one submission).

Conditions:
Autosomal recessive nonsyndromic hearing loss 84B. Also called: Deafness, autosomal recessive 84b. Identifiers: Orphanet 90636, MedGen C3554159, MONDO:0013984, OMIM 614944.

Submission:

King Laboratory, University of Washington
Classification: Likely pathogenic for Autosomal recessive nonsyndromic hearing loss 84B. Last evaluated: 2023-02-28. Review status: criteria provided, single submitter. Criteria: Li et al. (Genet Med. 2022). Collection method: research. Allele origin: unknown. Affected: yes.
Comment: This variant is a single base pair substitution that is predicted to alter splicing. At the donor splice of OTOGL exon 39, the sequence change is CTT|gtaagt > CTT|ttaagt, NNSPLICE is 0.98 and 0.00 and MaxEnt is 8.00 and -0.50 for reference and mutant sequences, respectively. Consequences of altered splicing are skipping of exon 39 resulting in a 178bp message deletion and a premature stop at codon 1483 of 2318. As of January 2023, this variant has not been reported to ClinVar and is not found on gnomAD. Based on compound heterozygosity with a loss-of-function variant, the prediction that this variant leads to a truncated protein, and goodness of fit of genotype to phenotype, we conclude that this variant is likely pathogenic.

Literature cited by the submitters: PubMed 36633841.

NM_001378609.3(OTOGL):c.4600+1G>T

Gene: OTOGL (otogelin like; plus strand). Cytogenetic location: 12q21.31.
Variant type: single nucleotide variant.
Coding change: c.4600+1G>T on transcript NM_001378609.3 (MANE Select); the canonical splice donor site of the intron after coding-DNA position 4600, G replaced by T.
Molecular consequence: splice donor variant.
Genome position (GRCh38, 1-based): chr12:80,336,141, G>T. VCF-style: chr12-80336141-G-T. GRCh37 (hg19) VCF-style: chr12-80729921-G-T.
Other names: c.4465+1G>T (NM_001368062.3); c.4600+1G>T (NM_001378610.3, NM_173591.7).
Identifiers: ClinVar variation 2445649 (VCV002445649.1), dbSNP rs1888382829, ClinGen allele CA385880482.